The following is an entry in ClinVar:

ClinVar aggregate classification (germline): Uncertain significance (1 of 4 stars; one submission).

Conditions:
Hereditary cancer-predisposing syndrome. Also called: Neoplastic Syndromes, Hereditary; Hereditary Cancer Syndrome; Tumor predisposition; Hereditary neoplastic syndrome. Identifiers: Orphanet 140162, MedGen C0027672, MeSH D009386, MONDO:0015356.

Submission:

Ambry Genetics
Classification: Uncertain significance for Hereditary cancer-predisposing syndrome. Last evaluated: 2022-12-24. Review status: criteria provided, single submitter. Criteria: Ambry Variant Classification Scheme 2023. Collection method: clinical testing. Allele origin: germline.
Comment: The p.S10W variant (also known as c.29C>G), located in coding exon 1 of the SDHAF2 gene, results from a C to G substitution at nucleotide position 29. The serine at codon 10 is replaced by tryptophan, an amino acid with highly dissimilar properties. This amino acid position is conserved. In addition, this alteration is predicted to be tolerated by in silico analysis. Since supporting evidence is limited at this time, the clinical significance of this alteration remains unclear.

NM_017841.4(SDHAF2):c.29C>G (p.Ser10Trp)

Gene: SDHAF2 (succinate dehydrogenase complex assembly factor 2; plus strand). Cytogenetic location: 11q12.2.
Variant type: single nucleotide variant.
Coding change: c.29C>G on transcript NM_017841.4 (MANE Select); coding-DNA position 29, C replaced by G.
Protein change: p.Ser10Trp; replaces serine 10 with tryptophan.
Molecular consequence: missense variant.
Genome position (GRCh38, 1-based): chr11:61,430,175, C>G. VCF-style: chr11-61430175-C-G. GRCh37 (hg19) VCF-style: chr11-61197647-C-G.
Other names: short protein forms S10W.
Identifiers: ClinVar variation 2448521 (VCV002448521.2), dbSNP rs1590759653, ClinGen allele CA380680205.